The following is an entry in ClinVar:

ClinVar aggregate classification (germline): Uncertain significance. Review status: criteria provided, multiple submitters, no conflicts (2 of 4 stars). 2 submissions from 2 submitters: Uncertain significance (2). Last evaluated 2025-02-06.

Conditions:
Familial thoracic aortic aneurysm and aortic dissection (TAAD). Also called: Thoracic aortic aneurysms and dissections. Identifiers: Orphanet 91387, MedGen C4707243, MONDO:0019625.
Ehlers-Danlos syndrome, kyphoscoliotic type 1 (EDSKSCL1). Also called: EHLERS-DANLOS SYNDROME, OCULAR-SCOLIOTIC TYPE; EHLERS-DANLOS SYNDROME, TYPE VIA; PLOD1-Related Kyphoscoliotic Ehlers-Danlos Syndrome; Ehlers-Danlos syndrome, hydroxylysine-deficient. Identifiers: Orphanet 1900, MedGen C0268342, MONDO:0016002, OMIM 225400. Disease mechanism: loss of function.

Allele frequency attached by ClinVar (database versions not stated): TOPMed below 0.00001; gnomAD exomes 0.00001.
gnomAD v4.1: 5 of 1,537,630 alleles (0.00033%); highest among the groups gnomAD compares: East Asian, 0.0074%; no homozygotes.

Submissions (2):

Ambry Genetics
Classification: Uncertain significance for Familial thoracic aortic aneurysm and aortic dissection. Last evaluated: 2025-02-06. Review status: criteria provided, single submitter. Criteria: Ambry Variant Classification Scheme 2023. Collection method: clinical testing. Allele origin: germline.
Comment: The p.R2W variant (also known as c.4C>T), located in coding exon 1 of the PLOD1 gene, results from a C to T substitution at nucleotide position 4. The arginine at codon 2 is replaced by tryptophan, an amino acid with dissimilar properties. This amino acid position is conserved. In addition, this alteration is predicted to be tolerated by in silico analysis. Based on the available evidence, the clinical significance of this variant remains unclear.

ARUP Laboratories, Molecular Genetics and Genomics, ARUP Laboratories
Classification: Uncertain significance for Ehlers-Danlos syndrome, kyphoscoliotic type 1. Last evaluated: 2020-06-02. Review status: criteria provided, single submitter. Criteria: ARUP Molecular Germline Variant Investigation Process. Collection method: clinical testing. Allele origin: germline.
Comment: The PLOD1 c.4C>T; p.Arg2Trp variant (rs1402614845), to our knowledge, is not reported in the medical literature or gene-specific databases. This variant is found on only five chromosomes (5/132228 alleles) in the Genome Aggregation Database. The arginine at codon 2 is highly conserved, but computational analyses (SIFT: damaging, PolyPhen-2: benign) predict conflicting effects of this variant on protein structure/function. Due to limited information, the clinical significance of the p.Arg2Trp variant is uncertain at this time.

NM_000302.4(PLOD1):c.4C>T (p.Arg2Trp)

Gene: PLOD1 (procollagen-lysine,2-oxoglutarate 5-dioxygenase 1; plus strand). Cytogenetic location: 1p36.22.
Variant type: single nucleotide variant.
Coding change: c.4C>T on transcript NM_000302.4 (MANE Select); coding-DNA position 4, C replaced by T.
Protein change: p.Arg2Trp; replaces arginine 2 with tryptophan.
Molecular consequence: missense variant.
Genome position (GRCh38, 1-based): chr1:11,934,783, C>T. VCF-style: chr1-11934783-C-T. GRCh37 (hg19) VCF-style: chr1-11994840-C-T.
Other names: c.4C>T, p.Arg2Trp (NM_001316320.2); c.4C>T (NM_000302.3); short protein forms R2W.
Identifiers: ClinVar variation 993527 (VCV000993527.11), dbSNP rs1402614845, ClinGen allele CA338422670.
Genomic context (GRCh38, chr1:11,934,783, plus strand): 5'-AAGTTTCCAGCCCTGCGAGCGCCGCCGGGTCGGCCGATCGTCCCCCATACCTCGGCCATG[C>T]GGCCCCTGCTGCTACTGGCCCTGCTGGGCTGGCTGCTGCTGGCCGAAGCGAAGGGCGACG-3'
Protein context (NP_000293.2, residues 1-12): M[Arg2Trp]PLLLLALLGW